The following is an entry in ClinVar:

ClinVar aggregate classification (germline): Pathogenic (1 of 4 stars; one submission).

Submission:

Labcorp Genetics (formerly Invitae), Labcorp
Classification: Pathogenic. Last evaluated: 2024-12-28. Review status: criteria provided, single submitter. Criteria: Invitae Variant Classification Sherloc (09022015). Collection method: clinical testing. Allele origin: germline.
Comment: This sequence change creates a premature translational stop signal (p.Glu183Alafs*15) in the PAFAH1B1 gene. It is expected to result in an absent or disrupted protein product. Loss-of-function variants in PAFAH1B1 are known to be pathogenic (PMID: 1671808, 11115846, 14581661). This variant is not present in population databases (gnomAD no frequency). This variant has not been reported in the literature in individuals affected with PAFAH1B1-related conditions. For these reasons, this variant has been classified as Pathogenic.

Literature cited by the submitters: PubMed 1671808; PubMed 11115846; PubMed 14581661.

NM_000430.4(PAFAH1B1):c.548_551del (p.Glu183fs)

Gene: PAFAH1B1 (platelet activating factor acetylhydrolase 1b regulatory subunit 1; plus strand). Cytogenetic location: 17p13.3.
Variant type: Deletion.
Coding change: c.548_551del on transcript NM_000430.4 (MANE Select); coding-DNA positions 548 to 551, 4 bases deleted (AATG; older notation c.548_551delAATG).
Protein change: p.Glu183fs; shifts the reading frame from glutamic acid 183.
Molecular consequence: frameshift variant.
Genome position (GRCh38, 1-based): chr17:2,670,311-2,670,314, AATG deleted; deleting any 4 consecutive bases within chr17:2,670,309-2,670,314 gives the same sequence; the c. name uses the placement nearest the transcript's 3' end. VCF-style (leftmost placement, unchanged base first): chr17-2670308-TTGAA-T. GRCh37 (hg19) VCF-style: chr17-2573602-TTGAA-T.
Other names: short protein forms E183fs.
Identifiers: ClinVar variation 3728177 (VCV003728177.2).
Genomic context (GRCh38, chr17:2,670,308, plus strand): 5'-GCAAGCTTCTGGCTTCCTGTTCTGCAGATATGACCATTAAACTATGGGATTTTCAGGGCT[TTGAA>T]TGCATCAGAACCATGCACGGTAAGGGGTAGAGGATAGTGCTTTAACAGTAATTTCTATCA-3'